The following is an entry in ClinVar:

ClinVar aggregate classification (germline): Uncertain significance (1 of 4 stars; one submission).

Submission:

GeneDx
Classification: Uncertain significance. Last evaluated: 2025-02-19. Review status: criteria provided, single submitter. Criteria: GeneDx Variant Classification Process June 2021. Collection method: clinical testing. Allele origin: germline. Affected: yes.
Comment: Not observed at significant frequency in large population cohorts (gnomAD); In silico analysis indicates that this missense variant does not alter protein structure/function; Has not been previously published as pathogenic or benign to our knowledge

NM_000489.6(ATRX):c.6170C>G (p.Ala2057Gly)

Gene: ATRX (ATRX chromatin remodeler; minus strand). Cytogenetic location: Xq21.1.
Variant type: single nucleotide variant.
Coding change: c.6170C>G on transcript NM_000489.6 (MANE Select); coding-DNA position 6170, C replaced by G.
Protein change: p.Ala2057Gly; replaces alanine 2057 with glycine.
Molecular consequence: missense variant.
Genome position (GRCh38, 1-based): chrX:77,589,881, G>C on the plus strand (C>G on the coding strand, the complement: ATRX is on the minus strand). VCF-style: chrX-77589881-G-C. GRCh37 (hg19) VCF-style: chrX-76845351-G-C.
Other names: c.6056C>G, p.Ala2019Gly (NM_138270.5); short protein forms A2019G, A2057G.
Identifiers: ClinVar variation 4076768 (VCV004076768.1).